The following is an entry in ClinVar:

NM_000212.3(ITGB3):c.2134+1G>T

Gene: ITGB3 (integrin subunit beta 3; plus strand). Cytogenetic location: 17q21.32.
Variant type: single nucleotide variant.
Coding change: c.2134+1G>T on transcript NM_000212.3 (MANE Select); the canonical splice donor site of the intron after coding-DNA position 2134, G replaced by T.
Molecular consequence: splice donor variant.
Genome position (GRCh38, 1-based): chr17:47,302,841, G>T. VCF-style: chr17-47302841-G-T. GRCh37 (hg19) VCF-style: chr17-45380207-G-T.
Identifiers: ClinVar variation 2856940 (VCV002856940.3), dbSNP rs398122373, ClinGen allele CA400033345.
Genomic context (GRCh38, chr17:47,302,841, plus strand): 5'-GATTCCAGTACTATGAAGATTCTAGTGGAAAGTCCATCCTGTATGTGGTAGAAGAGCCAG[G>T]TGAGTGAACCCTGACGGCTCCCGGCCCTGCCCCAGGAGGGAGAGGGAGAACCATGTTAGG-3'

ClinVar aggregate classification (germline): Pathogenic (1 of 4 stars; one submission).

Submission:

Labcorp Genetics (formerly Invitae), Labcorp
Classification: Pathogenic. Last evaluated: 2023-04-16. Review status: criteria provided, single submitter. Criteria: Invitae Variant Classification Sherloc (09022015). Collection method: clinical testing. Allele origin: germline.
Comment: For these reasons, this variant has been classified as Pathogenic. Studies have shown that disruption of this splice site results in skipping of exon 13, but is expected to preserve the integrity of the reading-frame (PMID: 19336737, 24498605). Disruption of this splice site has been observed in individual(s) with autosomal dominant macrothrombocytopenia (PMID: 19336737, 24498605). It has also been observed to segregate with disease in related individuals. This variant is not present in population databases (gnomAD no frequency). This sequence change affects a donor splice site in intron 13 of the ITGB3 gene. RNA analysis indicates that disruption of this splice site induces altered splicing and likely results in a shortened protein product.

Literature cited by the submitters: PubMed 19336737; PubMed 24498605.